The following is an entry in ClinVar:

ClinVar aggregate classification (germline): Benign/Likely benign. Review status: criteria provided, single submitter (1 of 4 stars). 2 submissions from 1 submitter: Benign (1); Likely benign (1). Last evaluated 2018-01-12.

Conditions:
Dyskeratosis congenita, autosomal dominant 3. Identifiers: MedGen C3151445, MONDO:0013522, OMIM 613990.
Revesz syndrome. Also called: DYSKERATOSIS CONGENITA, AUTOSOMAL DOMINANT 5; EXUDATIVE RETINOPATHY WITH BONE MARROW FAILURE. Identifiers: Orphanet 3088, MedGen C1327916, MONDO:0009990, OMIM 268130.

Allele frequency attached by ClinVar (database versions not stated): TOPMed below 0.00001; gnomAD exomes 0.00004; ExAC 0.00007.

Submissions (2):

Illumina Laboratory Services, Illumina
Classification: Benign for Revesz syndrome. Last evaluated: 2018-01-12. Review status: criteria provided, single submitter. Criteria: ICSL Variant Classification Criteria 13 December 2019. Collection method: clinical testing. Allele origin: germline.
Comment: This variant was observed in the ICSL laboratory as part of a predisposition screen in an ostensibly healthy population. It had not been previously curated by ICSL or reported in the Human Gene Mutation Database (HGMD: prior to June 1st, 2018), and was therefore a candidate for classification through an automated scoring system. Utilizing variant allele frequency, disease prevalence and penetrance estimates, and inheritance mode, an automated score was calculated to assess if this variant is too frequent to cause the disease. Based on the score and internal cut-off values, a variant classified as benign is not then subjected to further curation. The score for this variant resulted in a classification of benign for this disease.

Illumina Laboratory Services, Illumina
Classification: Likely benign for Dyskeratosis congenita, autosomal dominant 3. Last evaluated: 2018-01-12. Review status: criteria provided, single submitter. Criteria: ICSL Variant Classification Criteria 13 December 2019. Collection method: clinical testing. Allele origin: germline.
Comment: This variant was observed in the ICSL laboratory as part of a predisposition screen in an ostensibly healthy population. It had not been previously curated by ICSL or reported in the Human Gene Mutation Database (HGMD: prior to June 1st, 2018), and was therefore a candidate for classification through an automated scoring system. Utilizing variant allele frequency, disease prevalence and penetrance estimates, and inheritance mode, an automated score was calculated to assess if this variant is too frequent to cause the disease. Based on the score and internal cut-off values, a variant classified as likely benign is not then subjected to further curation. The score for this variant resulted in a classification of likely benign for this disease.

NM_001099274.3(TINF2):c.*33C>T

Gene: TINF2 (TERF1 interacting nuclear factor 2; minus strand). Cytogenetic location: 14q12.
Variant type: single nucleotide variant.
Coding change: c.*33C>T on transcript NM_001099274.3 (MANE Select); 33 bases downstream of the stop codon, C replaced by T.
Molecular consequence: 3 prime UTR variant.
Genome position (GRCh38, 1-based): chr14:24,239,764, G>A on the plus strand (C>T on the coding strand, the complement: TINF2 is on the minus strand). VCF-style: chr14-24239764-G-A. GRCh37 (hg19) VCF-style: chr14-24708970-G-A.
Other names: c.*33C>T (NM_001363668.2); c.*651C>T (NM_012461.3).
Identifiers: ClinVar variation 880922 (VCV000880922.4), dbSNP rs777445803, ClinGen allele CA7130400.